The following is an entry in ClinVar:

NM_130837.3(OPA1):c.2572G>T (p.Glu858Ter)

Gene: OPA1 (OPA1 mitochondrial dynamin like GTPase; plus strand). Cytogenetic location: 3q29.
Variant type: single nucleotide variant.
Coding change: c.2572G>T on transcript NM_130837.3 (MANE Select); coding-DNA position 2572, G replaced by T.
Protein change: p.Glu858Ter; replaces glutamic acid 858 with a stop codon.
Molecular consequence: nonsense.
Genome position (GRCh38, 1-based): chr3:193,662,873, G>T. VCF-style: chr3-193662873-G-T. GRCh37 (hg19) VCF-style: chr3-193380662-G-T.
Other names: c.2038G>T, p.Glu680Ter (NM_001354663.2); c.2035G>T, p.Glu679Ter (NM_001354664.2); c.2407G>T, p.Glu803Ter (NM_015560.3); c.2299G>T, p.Glu767Ter (NM_130831.3); c.2353G>T, p.Glu785Ter (NM_130832.3); c.2410G>T, p.Glu804Ter (NM_130833.3); c.2461G>T, p.Glu821Ter (NM_130834.3); c.2464G>T, p.Glu822Ter (NM_130835.3); and 1 more; short protein forms E803*, E821*, E679*, E680*, E785*, E804*, E858*, E767*.
Identifiers: ClinVar variation 2016249 (VCV002016249.5), dbSNP rs2475134399, ClinGen allele CA355793124.

ClinVar aggregate classification (germline): Pathogenic/Likely pathogenic. Review status: criteria provided, multiple submitters, no conflicts (2 of 4 stars). 2 submissions from 2 submitters: Pathogenic (1); Likely pathogenic (1). Last evaluated 2022-07-17.

Conditions:
OPA1-related disorder. Also called: OPA1-related disorders; OPA1-related condition.

Submissions (2):

Labcorp Genetics (formerly Invitae), Labcorp
Classification: Pathogenic. Last evaluated: 2022-07-17. Review status: criteria provided, single submitter. Criteria: Invitae Variant Classification Sherloc (09022015). Collection method: clinical testing. Allele origin: germline.
Comment: Algorithms developed to predict the effect of sequence changes on RNA splicing suggest that this variant may disrupt the consensus splice site. This variant has not been reported in the literature in individuals affected with OPA1-related conditions. This variant is not present in population databases (gnomAD no frequency). This sequence change creates a premature translational stop signal (p.Glu803*) in the OPA1 gene. It is expected to result in an absent or disrupted protein product. Loss-of-function variants in OPA1 are known to be pathogenic (PMID: 11440988, 20157015, 20952381, 25012220). For these reasons, this variant has been classified as Pathogenic.

Blueprint Genetics
Classification: Likely pathogenic for OPA1-related disorders. Last evaluated: 2022-06-08. Review status: criteria provided, single submitter. Criteria: ACMG Guidelines, 2015. Collection method: clinical testing. Allele origin: germline. Affected: yes. Observed: 1 variant allele.

Literature cited by the submitters: PubMed 11440988 (cited by Labcorp Genetics (formerly Invitae), Labcorp); PubMed 20157015 (cited by Labcorp Genetics (formerly Invitae), Labcorp); PubMed 20952381 (cited by Labcorp Genetics (formerly Invitae), Labcorp); PubMed 25012220 (cited by Labcorp Genetics (formerly Invitae), Labcorp).